The following is an entry in ClinVar:

NM_000297.4(PKD2):c.1043A>G (p.Tyr348Cys)

Gene: PKD2 (polycystin 2, transient receptor potential cation channel; plus strand). Cytogenetic location: 4q22.1.
Variant type: single nucleotide variant.
Coding change: c.1043A>G on transcript NM_000297.4 (MANE Select); coding-DNA position 1043, A replaced by G.
Protein change: p.Tyr348Cys; replaces tyrosine 348 with cysteine.
Molecular consequence: missense variant. On other transcripts: non-coding transcript variant (1).
Genome position (GRCh38, 1-based): chr4:88,038,450, A>G. VCF-style: chr4-88038450-A-G. GRCh37 (hg19) VCF-style: chr4-88959602-A-G.
Other names: short protein forms Y348C.
Identifiers: ClinVar variation 1801105 (VCV001801105.3), dbSNP rs2475901801, ClinGen allele CA357633090.

ClinVar aggregate classification (germline): Uncertain significance. Review status: criteria provided, multiple submitters, no conflicts (2 of 4 stars). 2 submissions from 2 submitters: Uncertain significance (2). Last evaluated 2025-12-10.

Submissions (2):

GeneDx
Classification: Uncertain significance. Last evaluated: 2025-12-10. Review status: criteria provided, single submitter. Criteria: GeneDx Variant Classification Process June 2021. Collection method: clinical testing. Allele origin: germline.
Comment: Not observed at significant frequency in large population cohorts (gnomAD); In silico analysis supports that this missense variant has a deleterious effect on protein structure/function; Has not been previously published as pathogenic or benign to our knowledge

Blueprint Genetics
Classification: Uncertain significance. Last evaluated: 2020-11-25. Review status: criteria provided, single submitter. Criteria: ACMG Guidelines, 2015. Collection method: clinical testing. Allele origin: germline.